The following is an entry in ClinVar:

NM_001136193.2(FASTKD2):c.753G>A (p.Val251=)

Gene: FASTKD2 (FAST kinase domains 2; plus strand). Cytogenetic location: 2q33.3.
Variant type: single nucleotide variant.
Coding change: c.753G>A on transcript NM_001136193.2 (MANE Select); coding-DNA position 753, G replaced by A.
Protein change: p.Val251=; no amino-acid change (valine 251 retained).
Molecular consequence: synonymous variant.
Genome position (GRCh38, 1-based): chr2:206,767,446, G>A. VCF-style: chr2-206767446-G-A. GRCh37 (hg19) VCF-style: chr2-207632170-G-A.
Other names: c.753G>A, p.Val251= (NM_001136194.2, NM_014929.4).
Identifiers: ClinVar variation 3047344 (VCV003047344.2), dbSNP rs145680754, ClinGen allele CA2074939.

ClinVar aggregate classification (germline): Likely benign (0 of 4 stars; one submission).

Conditions:
FASTKD2-related disorder. Also called: FASTKD2-related condition.

Allele frequency attached by ClinVar (database versions not stated): ExAC 0.00001; gnomAD exomes 0.00001; TOPMed 0.00001; ESP Exome Variant Server 0.00008.
gnomAD v4.1: 15 of 1,611,668 alleles (0.00093%); highest among the groups gnomAD compares: South Asian, 0.015%; no homozygotes.

Submission:

PreventionGenetics, part of Exact Sciences
Classification: Likely benign for FASTKD2-related condition. Last evaluated: 2022-02-08. Review status: no assertion criteria provided. Collection method: clinical testing. Allele origin: germline.
Comment: This variant is classified as likely benign based on ACMG/AMP sequence variant interpretation guidelines (Richards et al. 2015 PMID: 25741868, with internal and published modifications).